The following is an entry in ClinVar:

ClinVar aggregate classification (germline): Uncertain significance. Review status: criteria provided, multiple submitters, no conflicts (2 of 4 stars). 2 submissions from 2 submitters: Uncertain significance (2). Last evaluated 2023-10-17.

Conditions:
Inborn genetic diseases. Identifiers: MedGen C0950123, MeSH D030342.
2-aminoadipic 2-oxoadipic aciduria (AAKAD). Also called: Aminoadipic aciduria; ALPHA-AMINOADIPIC AND ALPHA-KETOADIPIC ACIDURIA. Identifiers: Orphanet 79154, MedGen C1859817, MONDO:0008774, OMIM 204750.

Allele frequency attached by ClinVar (database versions not stated): gnomAD 0.00001; gnomAD exomes 0.00001; ExAC 0.00002; TOPMed 0.00002.
gnomAD v4.1: 12 of 1,613,978 alleles (0.00074%); highest among the groups gnomAD compares: Non-Finnish European, 0.001%; no homozygotes.

Submissions (2):

Ambry Genetics
Classification: Uncertain significance for Inborn genetic diseases. Last evaluated: 2023-10-17. Review status: criteria provided, single submitter. Criteria: Ambry Variant Classification Scheme 2023. Collection method: clinical testing. Allele origin: germline.

Labcorp Genetics (formerly Invitae), Labcorp
Classification: Uncertain significance for 2-aminoadipic 2-oxoadipic aciduria. Last evaluated: 2023-08-23. Review status: criteria provided, single submitter. Criteria: Invitae Variant Classification Sherloc (09022015). Collection method: clinical testing. Allele origin: germline.
Comment: In summary, the available evidence is currently insufficient to determine the role of this variant in disease. Therefore, it has been classified as a Variant of Uncertain Significance. Advanced modeling of protein sequence and biophysical properties (such as structural, functional, and spatial information, amino acid conservation, physicochemical variation, residue mobility, and thermodynamic stability) performed at Invitae indicates that this missense variant is not expected to disrupt DHTKD1 protein function. ClinVar contains an entry for this variant (Variation ID: 1487387). This variant has not been reported in the literature in individuals affected with DHTKD1-related conditions. This variant is present in population databases (rs773859468, gnomAD 0.003%). This sequence change replaces tyrosine, which is neutral and polar, with serine, which is neutral and polar, at codon 617 of the DHTKD1 protein (p.Tyr617Ser).

NM_018706.7(DHTKD1):c.1850A>C (p.Tyr617Ser)

Gene: DHTKD1 (dehydrogenase E1 and transketolase domain containing 1; plus strand). Cytogenetic location: 10p14.
Variant type: single nucleotide variant.
Coding change: c.1850A>C on transcript NM_018706.7 (MANE Select); coding-DNA position 1850, A replaced by C.
Protein change: p.Tyr617Ser; replaces tyrosine 617 with serine.
Molecular consequence: missense variant.
Genome position (GRCh38, 1-based): chr10:12,101,135, A>C. VCF-style: chr10-12101135-A-C. GRCh37 (hg19) VCF-style: chr10-12143134-A-C.
Other names: c.1850A>C (NM_018706.5); short protein forms Y617S.
Identifiers: ClinVar variation 1487387 (VCV001487387.7), dbSNP rs773859468, ClinGen allele CA5408048.